The following is an entry in ClinVar:

NM_001355436.2(SPTB):c.5937+26G>A

Gene: SPTB (spectrin beta, erythrocytic; minus strand). Cytogenetic location: 14q23.3.
Variant type: single nucleotide variant.
Coding change: c.5937+26G>A on transcript NM_001355436.2 (MANE Select); 26 bases into the intron after coding-DNA position 5937, G replaced by A.
Molecular consequence: intron variant.
Genome position (GRCh38, 1-based): chr14:64,769,564, C>T on the plus strand (G>A on the coding strand, the complement: SPTB is on the minus strand). VCF-style: chr14-64769564-C-T. GRCh37 (hg19) VCF-style: chr14-65236282-C-T.
Other names: p.?; c.5937+26G>A (NM_001024858.4, NM_001355437.2).
Identifiers: ClinVar variation 4683871 (VCV004683871.1).

ClinVar aggregate classification (germline): Likely benign (1 of 4 stars; one submission).

gnomAD v4.1: 200 of 1,612,830 alleles (0.012%); highest among the groups gnomAD compares: African/African-American, 0.1%; no homozygotes.

Submission:

Mayo Clinic Laboratories, Mayo Clinic
Classification: Likely benign. Last evaluated: 2025-06-10. Review status: criteria provided, single submitter. Criteria: ACMG Guidelines, 2015. Collection method: clinical testing. Allele origin: germline. Observed: 4 variant alleles.
Comment: BP4, BP7